The following is an entry in ClinVar:

ClinVar aggregate classification (germline): Uncertain significance (1 of 4 stars; one submission).

Submission:

GeneDx
Classification: Uncertain significance. Last evaluated: 2026-01-03. Review status: criteria provided, single submitter. Criteria: GeneDx Variant Classification Process June 2021. Collection method: clinical testing. Allele origin: germline.
Comment: Not observed at significant frequency in large population cohorts (gnomAD); Missense variants in this gene are a common cause of disease and they are underrepresented in the general population; In silico analysis supports that this missense variant has a deleterious effect on protein structure/function; Has not been previously published as pathogenic or benign to our knowledge; This variant is associated with the following publications: (PMID: 27010057)

NM_178012.5(TUBB2B):c.761C>T (p.Ala254Val)

Gene: TUBB2B (tubulin beta 2B class IIb; minus strand). Cytogenetic location: 6p25.2.
Variant type: single nucleotide variant.
Coding change: c.761C>T on transcript NM_178012.5 (MANE Select); coding-DNA position 761, C replaced by T.
Protein change: p.Ala254Val; replaces alanine 254 with valine.
Molecular consequence: missense variant.
Genome position (GRCh38, 1-based): chr6:3,225,328, G>A on the plus strand (C>T on the coding strand, the complement: TUBB2B is on the minus strand). VCF-style: chr6-3225328-G-A. GRCh37 (hg19) VCF-style: chr6-3225562-G-A.
Other names: short protein forms A254V.
Identifiers: ClinVar variation 3343739 (VCV003343739.2).